The following is an entry in ClinVar:

NM_206933.4(USH2A):c.13222G>T (p.Val4408Phe)

Gene: USH2A (usherin; minus strand). Cytogenetic location: 1q41.
Variant type: single nucleotide variant.
Coding change: c.13222G>T on transcript NM_206933.4 (MANE Select); coding-DNA position 13222, G replaced by T.
Protein change: p.Val4408Phe; replaces valine 4408 with phenylalanine.
Molecular consequence: missense variant.
Genome position (GRCh38, 1-based): chr1:215,674,689, C>A on the plus strand (G>T on the coding strand, the complement: USH2A is on the minus strand). VCF-style: chr1-215674689-C-A. GRCh37 (hg19) VCF-style: chr1-215848031-C-A.
Other names: short protein forms V4408F.
Identifiers: ClinVar variation 935947 (VCV000935947.8), dbSNP rs111033500, ClinGen allele CA1393325.

ClinVar aggregate classification (germline): Uncertain significance. Review status: criteria provided, multiple submitters, no conflicts (2 of 4 stars). 3 submissions from 3 submitters: Uncertain significance (2). 1 of the submissions does not count toward it. Last evaluated 2022-09-09.

Conditions:
Usher syndrome type 2A. Also called: RETINAL DISEASE IN USHER SYNDROME TYPE IIA, MODIFIER OF; USHER SYNDROME, TYPE IIA. Identifiers: Orphanet 231178, Orphanet 886, MedGen C1848634, MONDO:0010169, OMIM 276901.

Allele frequency attached by ClinVar (database versions not stated): TOPMed 0.00002.
gnomAD v4.1: 6 of 1,613,994 alleles (0.00037%); highest among the groups gnomAD compares: African/African-American, 0.0067%; no homozygotes.

Submissions (3):

Blueprint Genetics
Classification: Uncertain significance. Last evaluated: 2022-09-09. Review status: criteria provided, single submitter. Criteria: ACMG Guidelines, 2015. Collection method: clinical testing. Allele origin: germline.

Labcorp Genetics (formerly Invitae), Labcorp
Classification: Uncertain significance. Last evaluated: 2022-08-31. Review status: criteria provided, single submitter. Criteria: Invitae Variant Classification Sherloc (09022015). Collection method: clinical testing. Allele origin: germline.
Comment: This sequence change replaces valine, which is neutral and non-polar, with phenylalanine, which is neutral and non-polar, at codon 4408 of the USH2A protein (p.Val4408Phe). This variant is present in population databases (rs111033500, gnomAD 0.008%). This variant has not been reported in the literature in individuals affected with USH2A-related conditions. ClinVar contains an entry for this variant (Variation ID: 935947). Algorithms developed to predict the effect of missense changes on protein structure and function are either unavailable or do not agree on the potential impact of this missense change (SIFT: "Deleterious"; PolyPhen-2: "Probably Damaging"; Align-GVGD: "Class C0"). In summary, the available evidence is currently insufficient to determine the role of this variant in disease. Therefore, it has been classified as a Variant of Uncertain Significance.

Natera, Inc.
Classification: Uncertain significance for Usher syndrome type 2A. Last evaluated: 2020-04-22. Review status: no assertion criteria provided. Collection method: clinical testing. Allele origin: germline. Not counted in ClinVar's aggregate classification.